The following is an entry in ClinVar:

ClinVar aggregate classification (germline): Uncertain significance. Review status: criteria provided, multiple submitters, no conflicts (2 of 4 stars). 2 submissions from 2 submitters: Uncertain significance (2). Last evaluated 2025-01-26.

Conditions:
Inborn genetic diseases. Identifiers: MedGen C0950123, MeSH D030342.

Submissions (2):

Ambry Genetics
Classification: Uncertain significance for Inborn genetic diseases. Last evaluated: 2025-01-26. Review status: criteria provided, single submitter. Criteria: Ambry Variant Classification Scheme 2023. Collection method: clinical testing. Allele origin: germline.

Women's Health and Genetics/Laboratory Corporation of America, LabCorp
Classification: Uncertain significance. Last evaluated: 2024-12-26. Review status: criteria provided, single submitter. Criteria: LabCorp Variant Classification Summary - May 2015. Collection method: clinical testing. Allele origin: germline.
Comment: Variant summary: NBEA c.2279G>C (p.Ser760Thr) results in a conservative amino acid change in the encoded protein sequence. Three of four in-silico tools predict a benign effect of the variant on protein function. The frequency data for this variant in gnomAD is considered unreliable, as metrics indicate poor data quality at this position. To our knowledge, no occurrence of c.2279G>C in individuals affected with Neurodevelopmental Disorder With Or Without Early-Onset Generalized Epilepsy and no experimental evidence demonstrating its impact on protein function have been reported. No submitters have cited clinical-significance assessments for this variant to ClinVar. Based on the evidence outlined above, the variant was classified as uncertain significance.

NM_001385012.1(NBEA):c.2279G>C (p.Ser760Thr)

Gene: NBEA (neurobeachin; plus strand). Cytogenetic location: 13q13.3.
Variant type: single nucleotide variant.
Coding change: c.2279G>C on transcript NM_001385012.1 (MANE Select); coding-DNA position 2279, G replaced by C.
Protein change: p.Ser760Thr; replaces serine 760 with threonine.
Molecular consequence: missense variant.
Genome position (GRCh38, 1-based): chr13:35,123,517, G>C. VCF-style: chr13-35123517-G-C. GRCh37 (hg19) VCF-style: chr13-35697654-G-C.
Other names: c.2279G>C, p.Ser760Thr (NM_001379245.1, NM_015678.5); c.2279G>C (NM_015678.4); short protein forms S760T.
Identifiers: ClinVar variation 3768408 (VCV003768408.2).
Genomic context (GRCh38, chr13:35,123,517, plus strand): 5'-AAAAGATAATTTATATATTTTGTAGGGTGATCTACAAATTATTGGCTTCTAAAAGTGAAA[G>C]TATTTGGGTTCAAGCTTTGAAGGTTCTGGGATACTTTCTGAAGCATTTAGGTCACAAGTA-3'
Protein context (NP_001371941.1, residues 750-770): IYKLLASKSE[Ser760Thr]IWVQALKVLG